The following is an entry in ClinVar:

ClinVar aggregate classification (germline): Uncertain significance. Review status: criteria provided, multiple submitters, no conflicts (2 of 4 stars). 2 submissions from 2 submitters: Uncertain significance (2). Last evaluated 2026-07-01.

Conditions:
Primary immunodeficiency with post-measles-mumps-rubella vaccine viral infection. Also called: Immunodeficiency 44. Identifiers: Orphanet 431166, MedGen C4225260, MONDO:0014715, OMIM 616636.

Allele frequency attached by ClinVar (database versions not stated): gnomAD exomes 0.00001; ExAC 0.00003.

Submissions (2):

CeGaT Center for Human Genetics Tuebingen
Classification: Uncertain significance. Last evaluated: 2026-07-01. Review status: criteria provided, single submitter. Criteria: CeGaT Center For Human Genetics Tuebingen Variant Classification Criteria Version 2. Collection method: clinical testing. Allele origin: germline. Affected: yes. Observed: 1 variant allele.
Comment: STAT2: PM2, PP2, BP4

Labcorp Genetics (formerly Invitae), Labcorp
Classification: Uncertain significance for Primary immunodeficiency with post-measles-mumps-rubella vaccine viral infection. Last evaluated: 2023-12-07. Review status: criteria provided, single submitter. Criteria: Invitae Variant Classification Sherloc (09022015). Collection method: clinical testing. Allele origin: germline.
Comment: This sequence change replaces alanine, which is neutral and non-polar, with valine, which is neutral and non-polar, at codon 181 of the STAT2 protein (p.Ala181Val). This variant is present in population databases (rs760935390, gnomAD 0.004%). This variant has not been reported in the literature in individuals affected with STAT2-related conditions. ClinVar contains an entry for this variant (Variation ID: 2152567). Advanced modeling of protein sequence and biophysical properties (such as structural, functional, and spatial information, amino acid conservation, physicochemical variation, residue mobility, and thermodynamic stability) performed at Invitae indicates that this missense variant is not expected to disrupt STAT2 protein function with a negative predictive value of 80%. In summary, the available evidence is currently insufficient to determine the role of this variant in disease. Therefore, it has been classified as a Variant of Uncertain Significance.

NM_005419.4(STAT2):c.542C>T (p.Ala181Val)

Gene: STAT2 (signal transducer and activator of transcription 2; minus strand). Cytogenetic location: 12q13.3.
Variant type: single nucleotide variant.
Coding change: c.542C>T on transcript NM_005419.4 (MANE Select); coding-DNA position 542, C replaced by T.
Protein change: p.Ala181Val; replaces alanine 181 with valine.
Molecular consequence: missense variant.
Genome position (GRCh38, 1-based): chr12:56,355,281, G>A on the plus strand (C>T on the coding strand, the complement: STAT2 is on the minus strand). VCF-style: chr12-56355281-G-A. GRCh37 (hg19) VCF-style: chr12-56749065-G-A.
Other names: c.530C>T, p.Ala177Val (NM_001385110.1, NM_001385115.1, NM_198332.2); c.542C>T, p.Ala181Val (NM_001385111.1, NM_001385113.1, NM_001385114.1); short protein forms A181V, A177V.
Identifiers: ClinVar variation 2152567 (VCV002152567.5), dbSNP rs760935390, ClinGen allele CA6630841.